The following is an entry in ClinVar:

NM_001042492.3(NF1):c.2991-4A>G

Gene: NF1 (neurofibromin 1; plus strand). Cytogenetic location: 17q11.2.
Variant type: single nucleotide variant.
Coding change: c.2991-4A>G on transcript NM_001042492.3 (MANE Select); 4 bases into the intron before coding-DNA position 2991, A replaced by G.
Molecular consequence: intron variant.
Genome position (GRCh38, 1-based): chr17:31,230,256, A>G. VCF-style: chr17-31230256-A-G. GRCh37 (hg19) VCF-style: chr17-29557274-A-G.
Other names: p.?; c.2991-4A>G (NM_000267.4).
Identifiers: ClinVar variation 457614 (VCV000457614.21), dbSNP rs754414489, ClinGen allele CA8486071.
Genomic context (GRCh38, chr17:31,230,256, plus strand): 5'-ATTTAGAATGCCTTCTCTTTTGTCTATATCTGATAATTTTTTTATTGTTTCTATGTCTAT[A>G]TAGGTATGTTCGTGTGCTTGGGAATATGGTCCATGCAATTCAAATAAAAACGAAACTGTG-3'

ClinVar aggregate classification (germline): Conflicting classifications of pathogenicity. Review status: criteria provided, conflicting classifications (1 of 4 stars). 8 submissions from 7 submitters: Uncertain significance (2); Benign (1); Likely benign (5). Last evaluated 2026-05-12.

Conditions:
Hereditary cancer-predisposing syndrome. Also called: Neoplastic Syndromes, Hereditary; Hereditary Cancer Syndrome; Hereditary neoplastic syndrome; Tumor predisposition. Identifiers: Orphanet 140162, MedGen C0027672, MeSH D009386, MONDO:0015356.
Cardiovascular phenotype. Identifiers: MedGen CN230736.
Neurofibromatosis, type 1 (NF1). Also called: VON RECKLINGHAUSEN DISEASE; Peripheral type neurofibromatosis; NEUROFIBROMATOSIS, TYPE I, SOMATIC; Neurofibromatosis, type I. Identifiers: Orphanet 636, MedGen C0027831, MONDO:0018975, OMIM 162200. Disease mechanism: loss of function.

Allele frequency attached by ClinVar (database versions not stated): TOPMed 0.00002; gnomAD 0.00004 and 0.00005; ExAC 0.00005; gnomAD exomes 0.00005 and 0.00006.
gnomAD v4.1: 80 of 1,612,808 alleles (0.005%); highest among the groups gnomAD compares: South Asian, 0.04%; no homozygotes.

Submissions (8):

Myriad Genetics, Inc.
Classification: Likely benign for Neurofibromatosis, type 1. Last evaluated: 2026-05-12. Review status: criteria provided, single submitter. Criteria: Myriad Autosomal Dominant, Autosomal Recessive and X-Linked Classification Criteria (2023). Collection method: clinical testing. Allele origin: unknown.
Comment: This variant is considered likely benign. This variant is intronic and is not expected to impact mRNA splicing.

Labcorp Genetics (formerly Invitae), Labcorp
Classification: Likely benign for Neurofibromatosis, type 1. Last evaluated: 2026-01-14. Review status: criteria provided, single submitter. Criteria: Invitae Variant Classification Sherloc (09022015). Collection method: clinical testing. Allele origin: germline.

Mayo Clinic Laboratories, Mayo Clinic
Classification: Likely benign. Last evaluated: 2024-12-27. Review status: criteria provided, single submitter. Criteria: ACMG Guidelines, 2015. Collection method: clinical testing. Allele origin: germline. Observed: 1 variant allele.
Comment: BS1, BP4, BP7

Ambry Genetics
Classification: Benign for Cardiovascular phenotype; Hereditary cancer-predisposing syndrome. Last evaluated: 2022-06-30. Review status: criteria provided, single submitter. Criteria: Ambry Variant Classification Scheme 2023. Collection method: clinical testing. Allele origin: germline.

Sema4
Classification: Uncertain significance for Hereditary cancer-predisposing syndrome. Last evaluated: 2021-10-14. Review status: criteria provided, single submitter. Criteria: Sema4 Curation Guidelines. Collection method: curation. Allele origin: germline.
Comment: The NF1 c.2991-4A>G variant has not been reported in literature to our knowledge. This variant was observed in 11/30606 chromosomes in South Asian population according to the Genome Aggregation Database (PMID: 32461654). This variant has been reported in ClinVar (Variation ID 457614). In silico tools predict that the variant might generate a new splice donor site and affect mRNA splicing, though these predictions have not been confirmed by functional studies. The overall evidence is insufficient to meet ACMG/AMP criteria for classifying it as benign or pathogenic. In summary, the clinical significance of this variant is currently uncertain.

Blueprint Genetics
Classification: Likely benign. Last evaluated: 2020-07-13. Review status: criteria provided, single submitter. Criteria: ACMG Guidelines, 2015. Collection method: clinical testing. Allele origin: germline.

GeneDx
Classification: Likely benign. Last evaluated: 2020-06-05. Review status: criteria provided, single submitter. Criteria: GeneDx Variant Classification Process June 2021. Collection method: clinical testing. Allele origin: germline. Affected: yes.

Ambry Genetics
Classification: Uncertain significance for Hereditary cancer-predisposing syndrome. Last evaluated: 2016-01-27. Review status: criteria provided, single submitter. Criteria: Ambry Autosomal Dominant and X-Linked criteria (10/2015). Collection method: clinical testing. Allele origin: germline. Observed: 1 variant allele.
Comment: The c.2991-4A>G intronic variant results from an A to G substitution 4 nucleotides upstream from coding exon 23 in the NF1 gene. This variant was not reported in population based cohorts in the following databases: Database of Single Nucleotide Polymorphisms (dbSNP), NHLBI Exome Sequencing Project (ESP), and 1000 Genomes Project. In the ESP, this variant was not observed in 6495 samples (12990 alleles) with coverage at this position. To date, this alteration has been detected with an allele frequency of approximately 0.003% (greater than 110000 alleles tested) in our clinical cohort. This nucleotide position is not well conserved in available vertebrate species. Using the BDGP and ESEfinder splice site prediction tools, this alteration is not predicted to have any significant effect on the native splice acceptor site; however, direct evidence is unavailable. Since supporting evidence is limited at this time, the clinical significance of c.2991-4A>G remains unclear.